The following is an entry in ClinVar:

ClinVar aggregate classification (germline): Uncertain significance. Review status: criteria provided, multiple submitters, no conflicts (2 of 4 stars). 2 submissions from 2 submitters: Uncertain significance (2). Last evaluated 2025-06-26.

Conditions:
Inborn genetic diseases. Identifiers: MedGen C0950123, MeSH D030342.

Allele frequency attached by ClinVar (database versions not stated): gnomAD 0.00001; gnomAD exomes 0.00001; ExAC 0.00002.
gnomAD v4.1: 7 of 1,613,778 alleles (0.00043%); highest among the groups gnomAD compares: Non-Finnish European, 0.00059%; no homozygotes.

Submissions (2):

Ambry Genetics
Classification: Uncertain significance for Inborn genetic diseases. Last evaluated: 2025-06-26. Review status: criteria provided, single submitter. Criteria: Ambry Variant Classification Scheme 2023. Collection method: clinical testing. Allele origin: germline.

Labcorp Genetics (formerly Invitae), Labcorp
Classification: Uncertain significance. Last evaluated: 2021-10-18. Review status: criteria provided, single submitter. Criteria: Invitae Variant Classification Sherloc (09022015). Collection method: clinical testing. Allele origin: germline.
Comment: This sequence change replaces isoleucine with valine at codon 1026 of the TRPM1 protein (p.Ile1026Val). The isoleucine residue is highly conserved and there is a small physicochemical difference between isoleucine and valine. This variant is present in population databases (rs754742048, ExAC 0.003%). This variant has not been reported in the literature in individuals affected with TRPM1-related conditions. Algorithms developed to predict the effect of missense changes on protein structure and function are either unavailable or do not agree on the potential impact of this missense change (SIFT: "Deleterious"; PolyPhen-2: "Possibly Damaging"; Align-GVGD: "Class C0"). In summary, the available evidence is currently insufficient to determine the role of this variant in disease. Therefore, it has been classified as a Variant of Uncertain Significance.

NM_001252024.2(TRPM1):c.3142A>G (p.Ile1048Val)

Genes: TRPM1 (transient receptor potential cation channel subfamily M member 1; minus strand), TRPM1-AS1 (TRPM1 antisense RNA 1; plus strand). Cytogenetic location: 15q13.3.
Variant type: single nucleotide variant.
Coding change: c.3142A>G on transcript NM_001252024.2 (MANE Select); coding-DNA position 3142, A replaced by G.
Protein change: p.Ile1048Val; replaces isoleucine 1048 with valine.
Molecular consequence: missense variant.
Genome position (GRCh38, 1-based): chr15:31,029,377, T>C on the plus strand (A>G on the coding strand, the complement: TRPM1 is on the minus strand). VCF-style: chr15-31029377-T-C. GRCh37 (hg19) VCF-style: chr15-31321580-T-C.
Other names: c.3076A>G (NM_002420.4); c.3193A>G, p.Ile1065Val (NM_001252020.2); c.3076A>G, p.Ile1026Val (NM_002420.6); short protein forms I1026V, I1065V, I1048V.
Identifiers: ClinVar variation 1345436 (VCV001345436.7), dbSNP rs754742048, ClinGen allele CA7451972.